The following is an entry in ClinVar:

NM_002872.5(RAC2):c.340G>C (p.Gly114Arg)

Gene: RAC2 (Rac family small GTPase 2; minus strand). Cytogenetic location: 22q13.1.
Variant type: single nucleotide variant.
Coding change: c.340G>C on transcript NM_002872.5 (MANE Select); coding-DNA position 340, G replaced by C.
Protein change: p.Gly114Arg; replaces glycine 114 with arginine.
Molecular consequence: missense variant.
Genome position (GRCh38, 1-based): chr22:37,231,339, C>G on the plus strand (G>C on the coding strand, the complement: RAC2 is on the minus strand). VCF-style: chr22-37231339-C-G. GRCh37 (hg19) VCF-style: chr22-37627379-C-G.
Other names: short protein forms G114R.
Identifiers: ClinVar variation 2749510 (VCV002749510.3), dbSNP rs1927054492, ClinGen allele CA411443029.

ClinVar aggregate classification (germline): Uncertain significance (1 of 4 stars; one submission).

Conditions:
Neutrophil immunodeficiency syndrome. Also called: Immunodeficiency 73A with defective neutrophil chemotaxis and leukocytosis. Identifiers: Orphanet 183707, MedGen C1842398, MONDO:0011988, OMIM 608203.

Allele frequency attached by ClinVar (database versions not stated): gnomAD exomes below 0.00001.
gnomAD v4.1: 1 of 1,614,134 alleles (0.000062%); highest among the groups gnomAD compares: Non-Finnish European, 0.000085%; no homozygotes.

Submission:

Labcorp Genetics (formerly Invitae), Labcorp
Classification: Uncertain significance for Neutrophil immunodeficiency syndrome. Last evaluated: 2023-09-27. Review status: criteria provided, single submitter. Criteria: Invitae Variant Classification Sherloc (09022015). Collection method: clinical testing. Allele origin: germline.
Comment: This variant is not present in population databases (gnomAD no frequency). In summary, the available evidence is currently insufficient to determine the role of this variant in disease. Therefore, it has been classified as a Variant of Uncertain Significance. Advanced modeling of protein sequence and biophysical properties (such as structural, functional, and spatial information, amino acid conservation, physicochemical variation, residue mobility, and thermodynamic stability) performed at Invitae indicates that this missense variant is expected to disrupt RAC2 protein function. This variant has not been reported in the literature in individuals affected with RAC2-related conditions. This sequence change replaces glycine, which is neutral and non-polar, with arginine, which is basic and polar, at codon 114 of the RAC2 protein (p.Gly114Arg).